The following is an entry in ClinVar:

NM_206933.4(USH2A):c.12499A>G (p.Lys4167Glu)

Gene: USH2A (usherin; minus strand). Cytogenetic location: 1q41.
Variant type: single nucleotide variant.
Coding change: c.12499A>G on transcript NM_206933.4 (MANE Select); coding-DNA position 12499, A replaced by G.
Protein change: p.Lys4167Glu; replaces lysine 4167 with glutamic acid.
Molecular consequence: missense variant.
Genome position (GRCh38, 1-based): chr1:215,675,412, T>C on the plus strand (A>G on the coding strand, the complement: USH2A is on the minus strand). VCF-style: chr1-215675412-T-C. GRCh37 (hg19) VCF-style: chr1-215848754-T-C.
Other names: short protein forms K4167E.
Identifiers: ClinVar variation 954330 (VCV000954330.7), dbSNP rs1227523513, ClinGen allele CA344850776.

ClinVar aggregate classification (germline): Uncertain significance (1 of 4 stars; one submission).

Allele frequency attached by ClinVar (database versions not stated): TOPMed below 0.00001; gnomAD 0.00001.

Submission:

Labcorp Genetics (formerly Invitae), Labcorp
Classification: Uncertain significance. Last evaluated: 2022-08-19. Review status: criteria provided, single submitter. Criteria: Invitae Variant Classification Sherloc (09022015). Collection method: clinical testing. Allele origin: germline.
Comment: This sequence change replaces lysine, which is basic and polar, with glutamic acid, which is acidic and polar, at codon 4167 of the USH2A protein (p.Lys4167Glu). This variant is present in population databases (no rsID available, gnomAD 0.007%). This variant has not been reported in the literature in individuals affected with USH2A-related conditions. ClinVar contains an entry for this variant (Variation ID: 954330). Algorithms developed to predict the effect of missense changes on protein structure and function output the following: SIFT: "Tolerated"; PolyPhen-2: "Benign"; Align-GVGD: "Class C0". The glutamic acid amino acid residue is found in multiple mammalian species, which suggests that this missense change does not adversely affect protein function. In summary, the available evidence is currently insufficient to determine the role of this variant in disease. Therefore, it has been classified as a Variant of Uncertain Significance.